The following is an entry in ClinVar:

ClinVar aggregate classification (germline): Uncertain significance (1 of 4 stars; one submission).

Submission:

Labcorp Genetics (formerly Invitae), Labcorp
Classification: Uncertain significance. Last evaluated: 2023-07-07. Review status: criteria provided, single submitter. Criteria: Invitae Variant Classification Sherloc (09022015). Collection method: clinical testing. Allele origin: germline.
Comment: In summary, the available evidence is currently insufficient to determine the role of this variant in disease. Therefore, it has been classified as a Variant of Uncertain Significance. An algorithm developed to predict the effect of missense changes on protein structure and function (PolyPhen-2) suggests that this variant is likely to be disruptive. This variant has not been reported in the literature in individuals affected with NAA10-related conditions. This variant is not present in population databases (gnomAD no frequency). This sequence change replaces proline, which is neutral and non-polar, with arginine, which is basic and polar, at codon 39 of the NAA10 protein (p.Pro39Arg).

NM_003491.4(NAA10):c.116C>G (p.Pro39Arg)

Gene: NAA10 (N-alpha-acetyltransferase 10, NatA catalytic subunit; minus strand). Cytogenetic location: Xq28.
Variant type: single nucleotide variant.
Coding change: c.116C>G on transcript NM_003491.4 (MANE Select); coding-DNA position 116, C replaced by G.
Protein change: p.Pro39Arg; replaces proline 39 with arginine.
Molecular consequence: missense variant.
Genome position (GRCh38, 1-based): chrX:153,934,381, G>C on the plus strand (C>G on the coding strand, the complement: NAA10 is on the minus strand). VCF-style: chrX-153934381-G-C. GRCh37 (hg19) VCF-style: chrX-153199834-G-C.
Other names: c.116C>G, p.Pro39Arg (NM_001256119.2, NM_001256120.2); short protein forms P39R.
Identifiers: ClinVar variation 2730950 (VCV002730950.3), dbSNP rs1557107942, ClinGen allele CA415161721.